The following is an entry in ClinVar:

NM_024915.4(GRHL2):c.20+144T>G

Gene: GRHL2 (grainyhead like transcription factor 2; plus strand). Cytogenetic location: 8q22.3.
Variant type: single nucleotide variant.
Coding change: c.20+144T>G on transcript NM_024915.4 (MANE Select); 144 bases into the intron after coding-DNA position 20, T replaced by G.
Molecular consequence: intron variant.
Genome position (GRCh38, 1-based): chr8:101,492,933, T>G. VCF-style: chr8-101492933-T-G. GRCh37 (hg19) VCF-style: chr8-102505161-T-G.
Other names: c.20+144T>G (NM_001440447.1); c.-29+84T>G (NM_001330593.2); c.-29+347T>G (NM_001440448.1).
Identifiers: ClinVar variation 4984984 (VCV004984984.1).
Genomic context (GRCh38, chr8:101,492,933, plus strand): 5'-GTTGCTATTGTTGGTATTTTTCTTTCTTTTTTCTTTTTCTTTTTGGTGGATCCAGACTTT[T>G]CCGCATTATGTTTCTACCCTGATTAAGGGGAGAAACCCTACAACAATGTGAATATTTAAT-3'

ClinVar aggregate classification (germline): Likely benign (1 of 4 stars; one submission).

Conditions:
GRHL2-related disorder. Also called: GRHL2-related disorders; GRHL2-related condition.

gnomAD v4.1: 14 of 771,910 alleles (0.0018%); highest among the groups gnomAD compares: East Asian, 0.028%; no homozygotes.

Submission:

PreventionGenetics, part of Exact Sciences
Classification: Likely benign for GRHL2-related condition. Last evaluated: 2026-02-06. Review status: criteria provided, single submitter. Criteria: ACMG Guidelines, 2015. Collection method: clinical testing. Allele origin: germline.
Comment: This variant is classified as likely benign based on ACMG/AMP sequence variant interpretation guidelines (Richards et al. 2015 PMID: 25741868, with internal and published modifications).